The following is an entry in ClinVar:

NM_020745.4(AARS2):c.895-16C>T

Gene: AARS2 (alanyl-tRNA synthetase 2, mitochondrial; minus strand). Cytogenetic location: 6p21.1.
Variant type: single nucleotide variant.
Coding change: c.895-16C>T on transcript NM_020745.4 (MANE Select); 16 bases into the intron before coding-DNA position 895, C replaced by T.
Molecular consequence: intron variant.
Genome position (GRCh38, 1-based): chr6:44,307,410, G>A on the plus strand (C>T on the coding strand, the complement: AARS2 is on the minus strand). VCF-style: chr6-44307410-G-A. GRCh37 (hg19) VCF-style: chr6-44275147-G-A.
Identifiers: ClinVar variation 136226 (VCV000136226.9), dbSNP rs199695987, ClinGen allele CA289200.

ClinVar aggregate classification (germline): Benign/Likely benign. Review status: criteria provided, multiple submitters, no conflicts (2 of 4 stars). 3 submissions from 3 submitters: Benign (1); Likely benign (2). Last evaluated 2026-01-12.

Allele frequency attached by ClinVar (database versions not stated): ExAC 0.00031; ESP Exome Variant Server 0.00031; gnomAD exomes 0.00035 and 0.00076; gnomAD 0.00036 and 0.00039; TOPMed 0.00039.
gnomAD v4.1: 1,138 of 1,590,916 alleles (0.072%); highest among the groups gnomAD compares: Non-Finnish European, 0.091%; 4 homozygotes.

Submissions (3):

Labcorp Genetics (formerly Invitae), Labcorp
Classification: Likely benign. Last evaluated: 2026-01-12. Review status: criteria provided, single submitter. Criteria: Invitae Variant Classification Sherloc (09022015). Collection method: clinical testing. Allele origin: germline.

Blueprint Genetics
Classification: Likely benign. Last evaluated: 2024-11-22. Review status: criteria provided, single submitter. Criteria: ACMG Guidelines, 2015. Collection method: clinical testing. Allele origin: germline.

GeneDx
Classification: Benign. Last evaluated: 2013-03-07. Review status: criteria provided, single submitter. Criteria: GeneDx Variant Classification (06012015). Collection method: clinical testing. Allele origin: germline. Affected: yes.
Comment: This variant is considered likely benign or benign based on one or more of the following criteria: it is a conservative change, it occurs at a poorly conserved position in the protein, it is predicted to be benign by multiple in silico algorithms, and/or has population frequency not consistent with disease.